The following is an entry in ClinVar:

ClinVar aggregate classification (germline): Uncertain significance. Review status: criteria provided, multiple submitters, no conflicts (2 of 4 stars). 2 submissions from 2 submitters: Uncertain significance (2). Last evaluated 2025-09-22.

Conditions:
Inborn genetic diseases. Identifiers: MedGen C0950123, MeSH D030342.

gnomAD v4.1: 118 of 1,582,404 alleles (0.0075%); highest among the groups gnomAD compares: South Asian, 0.033%; no homozygotes.

Submissions (2):

Ambry Genetics
Classification: Uncertain significance for Inborn genetic diseases. Last evaluated: 2025-09-22. Review status: criteria provided, single submitter. Criteria: Ambry Variant Classification Scheme 2023. Collection method: clinical testing. Allele origin: germline.

Labcorp Genetics (formerly Invitae), Labcorp
Classification: Uncertain significance. Last evaluated: 2022-10-05. Review status: criteria provided, single submitter. Criteria: Invitae Variant Classification Sherloc (09022015). Collection method: clinical testing. Allele origin: germline.
Comment: This sequence change replaces tryptophan, which is neutral and slightly polar, with arginine, which is basic and polar, at codon 100 of the COL13A1 protein (p.Trp100Arg). This variant is present in population databases (rs768896398, gnomAD 0.04%). This variant has not been reported in the literature in individuals affected with COL13A1-related conditions. ClinVar contains an entry for this variant (Variation ID: 1424031). Algorithms developed to predict the effect of missense changes on protein structure and function are either unavailable or do not agree on the potential impact of this missense change (SIFT: "Deleterious"; PolyPhen-2: "Probably Damaging"; Align-GVGD: "Class C0"). In summary, the available evidence is currently insufficient to determine the role of this variant in disease. Therefore, it has been classified as a Variant of Uncertain Significance.

NM_001368882.1(COL13A1):c.298T>A (p.Trp100Arg)

Gene: COL13A1 (collagen type XIII alpha 1 chain; plus strand). Cytogenetic location: 10q22.1.
Variant type: single nucleotide variant.
Coding change: c.298T>A on transcript NM_001368882.1 (MANE Select); coding-DNA position 298, T replaced by A.
Protein change: p.Trp100Arg; replaces tryptophan 100 with arginine.
Molecular consequence: missense variant. On other transcripts: 5 prime UTR variant (1).
Genome position (GRCh38, 1-based): chr10:69,822,372, T>A. VCF-style: chr10-69822372-T-A. GRCh37 (hg19) VCF-style: chr10-71582128-T-A.
Other names: c.298T>A, p.Trp100Arg (NM_001130103.2, NM_001320951.2, NM_001368883.1 and 11 more transcripts); c.-356T>A (NM_001368886.1); c.298T>A (NM_001130103.1); short protein forms W100R.
Identifiers: ClinVar variation 1424031 (VCV001424031.6), dbSNP rs768896398, ClinGen allele CA5534045.
Genomic context (GRCh38, chr10:69,822,372, plus strand): 5'-CCAGGGCTTGGTGTCTACGAGCTCCTGGTGACTCCTCTTGTCTGTCTCCTTGTACAGAAA[T>A]GGAAGCTCCACTCAAGGAGGCGCCGGGAGGCCCCAAAGACATCTCCAGGATGTAACTGCC-3'
Protein context (NP_001355811.1, residues 90-110): GRVNQLLDEK[Trp100Arg]KLHSRRRREA